The following is an entry in ClinVar:

ClinVar aggregate classification (germline): Uncertain significance (1 of 4 stars; one submission).

Allele frequency attached by ClinVar (database versions not stated): gnomAD exomes below 0.00001.
gnomAD v4.1: 3 of 1,614,008 alleles (0.00019%); highest among the groups gnomAD compares: Non-Finnish European, 0.00025%; no homozygotes.

Submission:

GeneDx
Classification: Uncertain significance. Last evaluated: 2021-10-13. Review status: criteria provided, single submitter. Criteria: GeneDx Variant Classification Process June 2021. Collection method: clinical testing. Allele origin: germline. Affected: yes.
Comment: Not observed at significant frequency in large population cohorts (Lek et al., 2016); In silico analysis supports that this missense variant has a deleterious effect on protein structure/function; Has not been previously published as pathogenic or benign to our knowledge

NM_001378964.1(CDON):c.136G>T (p.Val46Leu)

Gene: CDON (cell adhesion associated, oncogene regulated; minus strand). Cytogenetic location: 11q24.2.
Variant type: single nucleotide variant.
Coding change: c.136G>T on transcript NM_001378964.1 (MANE Select); coding-DNA position 136, G replaced by T.
Protein change: p.Val46Leu; replaces valine 46 with leucine.
Molecular consequence: missense variant.
Genome position (GRCh38, 1-based): chr11:126,021,461, C>A on the plus strand (G>T on the coding strand, the complement: CDON is on the minus strand). VCF-style: chr11-126021461-C-A. GRCh37 (hg19) VCF-style: chr11-125891356-C-A.
Other names: c.136G>T, p.Val46Leu (NM_001243597.3, NM_016952.6); short protein forms V46L.
Identifiers: ClinVar variation 1300586 (VCV001300586.2), dbSNP rs2134695051, ClinGen allele CA383212264.